The following is an entry in ClinVar:

NM_006563.5(KLF1):c.803G>C (p.Arg268Pro)

Genes: KLF1 (KLF transcription factor 1; minus strand), LOC117125591 (CRISPRi-FlowFISH-validated PRDX2 and RAD23A regulatory element; plus strand). Cytogenetic location: 19p13.13.
Variant type: single nucleotide variant.
Coding change: c.803G>C on transcript NM_006563.5 (MANE Select); coding-DNA position 803, G replaced by C.
Protein change: p.Arg268Pro; replaces arginine 268 with proline.
Molecular consequence: missense variant.
Genome position (GRCh38, 1-based): chr19:12,885,427, C>G on the plus strand (G>C on the coding strand, the complement: KLF1 is on the minus strand). VCF-style: chr19-12885427-C-G. GRCh37 (hg19) VCF-style: chr19-12996241-C-G.
Other names: short protein forms R268P.
Identifiers: ClinVar variation 3616380 (VCV003616380.2).

ClinVar aggregate classification (germline): Uncertain significance (1 of 4 stars; one submission).

Submission:

Labcorp Genetics (formerly Invitae), Labcorp
Classification: Uncertain significance. Last evaluated: 2024-06-22. Review status: criteria provided, single submitter. Criteria: Invitae Variant Classification Sherloc (09022015). Collection method: clinical testing. Allele origin: germline.
Comment: This sequence change replaces arginine, which is basic and polar, with proline, which is neutral and non-polar, at codon 268 of the KLF1 protein (p.Arg268Pro). This variant is present in population databases (rs199685739, gnomAD 0.001%). This variant has not been reported in the literature in individuals affected with KLF1-related conditions. Advanced modeling of protein sequence and biophysical properties (such as structural, functional, and spatial information, amino acid conservation, physicochemical variation, residue mobility, and thermodynamic stability) performed at Invitae indicates that this missense variant is expected to disrupt KLF1 protein function with a positive predictive value of 80%. In summary, the available evidence is currently insufficient to determine the role of this variant in disease. Therefore, it has been classified as a Variant of Uncertain Significance.